The following is an entry in ClinVar:

ClinVar aggregate classification (germline): Likely benign (1 of 4 stars; one submission).

gnomAD v4.1: 1 of 1,613,912 alleles (0.000062%); highest among the groups gnomAD compares: Non-Finnish European, 0.000085%; no homozygotes.

Submission:

CeGaT Center for Human Genetics Tuebingen
Classification: Likely benign. Last evaluated: 2024-08-01. Review status: criteria provided, single submitter. Criteria: CeGaT Center For Human Genetics Tuebingen Variant Classification Criteria Version 2. Collection method: clinical testing. Allele origin: germline. Affected: yes. Observed: 1 variant allele.
Comment: SYNE2: PM2:Supporting, BP4, BP7

NM_182914.3(SYNE2):c.20577A>G (p.Leu6859=)

Gene: SYNE2 (spectrin repeat containing nuclear envelope protein 2; plus strand). Cytogenetic location: 14q23.2.
Variant type: single nucleotide variant.
Coding change: c.20577A>G on transcript NM_182914.3 (MANE Select); coding-DNA position 20577, A replaced by G.
Protein change: p.Leu6859=; no amino-acid change (leucine 6859 retained).
Molecular consequence: synonymous variant.
Genome position (GRCh38, 1-based): chr14:64,225,379, A>G. VCF-style: chr14-64225379-A-G. GRCh37 (hg19) VCF-style: chr14-64692097-A-G.
Other names: c.20511A>G, p.Leu6837= (NM_015180.6); c.1143A>G, p.Leu381= (NM_182910.2); c.1524A>G, p.Leu508= (NM_182913.4).
Identifiers: ClinVar variation 3342042 (VCV003342042.16).